The following is an entry in ClinVar:

ClinVar aggregate classification (germline): Uncertain significance (1 of 4 stars; one submission).

Conditions:
Ehlers-Danlos syndrome, musculocontractural type 2 (EDSMC2). Identifiers: Orphanet 2953, MedGen C3809845, MONDO:0014236, OMIM 615539.

Submission:

Labcorp Genetics (formerly Invitae), Labcorp
Classification: Uncertain significance for Ehlers-Danlos syndrome, musculocontractural type 2. Last evaluated: 2024-10-16. Review status: criteria provided, single submitter. Criteria: Invitae Variant Classification Sherloc (09022015). Collection method: clinical testing. Allele origin: germline.
Comment: This sequence change replaces glycine, which is neutral and non-polar, with alanine, which is neutral and non-polar, at codon 474 of the DSE protein (p.Gly474Ala). This variant is not present in population databases (gnomAD no frequency). This variant has not been reported in the literature in individuals affected with DSE-related conditions. ClinVar contains an entry for this variant (Variation ID: 2132307). Invitae Evidence Modeling of protein sequence and biophysical properties (such as structural, functional, and spatial information, amino acid conservation, physicochemical variation, residue mobility, and thermodynamic stability) indicates that this missense variant is not expected to disrupt DSE protein function with a negative predictive value of 80%. In summary, the available evidence is currently insufficient to determine the role of this variant in disease. Therefore, it has been classified as a Variant of Uncertain Significance.

NM_013352.4(DSE):c.1421G>C (p.Gly474Ala)

Gene: DSE (dermatan sulfate epimerase; plus strand). Cytogenetic location: 6q22.1.
Variant type: single nucleotide variant.
Coding change: c.1421G>C on transcript NM_013352.4 (MANE Select); coding-DNA position 1421, G replaced by C.
Protein change: p.Gly474Ala; replaces glycine 474 with alanine.
Molecular consequence: missense variant. On other transcripts: 3 prime UTR variant (2), non-coding transcript variant (1).
Genome position (GRCh38, 1-based): chr6:116,435,889, G>C. VCF-style: chr6-116435889-G-C. GRCh37 (hg19) VCF-style: chr6-116757052-G-C.
Other names: c.1421G>C, p.Gly474Ala (NM_001080976.3, NM_001322937.2, NM_001322938.2); c.1478G>C, p.Gly493Ala (NM_001322939.2); c.860G>C, p.Gly287Ala (NM_001322940.2, NM_001322941.2); c.*286G>C (NM_001322943.2, NM_001322944.2); c.422G>C, p.Gly141Ala (NM_001374520.1); c.386G>C, p.Gly129Ala (NM_001374521.1); short protein forms G129A, G493A, G287A, G141A, G474A.
Identifiers: ClinVar variation 2132307 (VCV002132307.4), dbSNP rs2482299106, ClinGen allele CA365400512.